The following is an entry in ClinVar:

ClinVar aggregate classification (germline): Uncertain significance (1 of 4 stars; one submission).

Conditions:
Long QT syndrome (LQTS). Identifiers: MedGen C0023976, MeSH D008133, MONDO:0002442. Disease mechanism: loss of function. Inheritance: Various modes of inheritance.

gnomAD v4.1: 1 of 1,548,870 alleles (0.000065%); highest among the groups gnomAD compares: Non-Finnish European, 0.000087%; no homozygotes.

Submission:

Labcorp Genetics (formerly Invitae), Labcorp
Classification: Uncertain significance for Long QT syndrome. Last evaluated: 2024-05-01. Review status: criteria provided, single submitter. Criteria: Invitae Variant Classification Sherloc (09022015). Collection method: clinical testing. Allele origin: germline.
Comment: This sequence change replaces serine, which is neutral and polar, with isoleucine, which is neutral and non-polar, at codon 1029 of the KCNH2 protein (p.Ser1029Ile). This variant is not present in population databases (gnomAD no frequency). This variant has not been reported in the literature in individuals affected with KCNH2-related conditions. An algorithm developed to predict the effect of missense changes on protein structure and function (PolyPhen-2) suggests that this variant is likely to be disruptive. In summary, the available evidence is currently insufficient to determine the role of this variant in disease. Therefore, it has been classified as a Variant of Uncertain Significance.

NM_000238.4(KCNH2):c.3086G>T (p.Ser1029Ile)

Gene: KCNH2 (potassium voltage-gated channel subfamily H member 2; minus strand). Cytogenetic location: 7q36.1.
Variant type: single nucleotide variant.
Coding change: c.3086G>T on transcript NM_000238.4 (MANE Select); coding-DNA position 3086, G replaced by T.
Protein change: p.Ser1029Ile; replaces serine 1029 with isoleucine.
Molecular consequence: missense variant. On other transcripts: non-coding transcript variant (2).
Genome position (GRCh38, 1-based): chr7:150,947,394, C>A on the plus strand (G>T on the coding strand, the complement: KCNH2 is on the minus strand). VCF-style: chr7-150947394-C-A. GRCh37 (hg19) VCF-style: chr7-150644482-C-A.
Other names: c.2798G>T, p.Ser933Ile (NM_001406753.1); c.2066G>T, p.Ser689Ile (NM_172057.3); short protein forms S933I, S1029I, S689I.
Identifiers: ClinVar variation 3647669 (VCV003647669.2).